The following is an entry in ClinVar:

NM_032737.4(LMNB2):c.1214C>T (p.Ser405Phe)

Gene: LMNB2 (lamin B2; minus strand). Cytogenetic location: 19p13.3.
Variant type: single nucleotide variant.
Coding change: c.1214C>T on transcript NM_032737.4 (MANE Select); coding-DNA position 1214, C replaced by T.
Protein change: p.Ser405Phe; replaces serine 405 with phenylalanine.
Molecular consequence: missense variant.
Genome position (GRCh38, 1-based): chr19:2,434,094, G>A on the plus strand (C>T on the coding strand, the complement: LMNB2 is on the minus strand). VCF-style: chr19-2434094-G-A. GRCh37 (hg19) VCF-style: chr19-2434092-G-A.
Other names: c.1154C>T (NM_032737.2); short protein forms S405F.
Identifiers: ClinVar variation 2926962 (VCV002926962.4), dbSNP rs752957340, ClinGen allele CA9067572.

ClinVar aggregate classification (germline): Uncertain significance. Review status: criteria provided, multiple submitters, no conflicts (2 of 4 stars). 2 submissions from 2 submitters: Uncertain significance (2). Last evaluated 2025-10-02.

Conditions:
Lipodystrophy, partial, acquired, susceptibility to (APLD). Also called: APLD, SUSCEPTIBILITY TO. Identifiers: MedGen C3887501, MONDO:0100476, OMIM 608709.
Progressive myoclonic epilepsy type 9. Identifiers: Orphanet 457265, MedGen C4225289, MONDO:0014685, OMIM 616540.

Allele frequency attached by ClinVar (database versions not stated): TOPMed 0.00002; gnomAD 0.00001; ExAC 0.00002.
gnomAD v4.1: 138 of 1,587,978 alleles (0.0087%); highest among the groups gnomAD compares: Non-Finnish European, 0.012%; no homozygotes.

Submissions (2):

Labcorp Genetics (formerly Invitae), Labcorp
Classification: Uncertain significance for Progressive myoclonic epilepsy type 9; Lipodystrophy, partial, acquired, susceptibility to. Last evaluated: 2025-10-02. Review status: criteria provided, single submitter. Criteria: Invitae Variant Classification Sherloc (09022015). Collection method: clinical testing. Allele origin: germline.
Comment: This sequence change replaces serine, which is neutral and polar, with phenylalanine, which is neutral and non-polar, at codon 405 of the LMNB2 protein (p.Ser405Phe). The frequency data for this variant in the population databases is considered unreliable, as metrics indicate poor data quality at this position in the gnomAD database. This variant has not been reported in the literature in individuals affected with LMNB2-related conditions. ClinVar contains an entry for this variant (Variation ID: 2926962). Invitae Evidence Modeling of protein sequence and biophysical properties (such as structural, functional, and spatial information, amino acid conservation, physicochemical variation, residue mobility, and thermodynamic stability) indicates that this missense variant is expected to disrupt LMNB2 protein function with a positive predictive value of 80%. In summary, the available evidence is currently insufficient to determine the role of this variant in disease. Therefore, it has been classified as a Variant of Uncertain Significance.

Ambry Genetics
Classification: Uncertain significance. Last evaluated: 2025-06-24. Review status: criteria provided, single submitter. Criteria: Ambry Variant Classification Scheme 2023. Collection method: clinical testing. Allele origin: germline.